The following is an entry in ClinVar:

ClinVar aggregate classification (germline): Conflicting classifications of pathogenicity. Review status: criteria provided, conflicting classifications (1 of 4 stars). 7 submissions from 7 submitters: Uncertain significance (6); Likely benign (1). Last evaluated 2025-12-09.

Conditions:
Cardiovascular phenotype. Identifiers: MedGen CN230736.
Arrhythmogenic right ventricular cardiomyopathy (ARVD). Also called: Arrhythmogenic cardiomyopathy; Arrhythmogenic Right Ventricular Cardiomyopathy (ARVC); Cardiomyopathy, ARVC; Arrhythmogenic right ventricular dysplasia. Identifiers: Orphanet 247, MedGen C0349788, MeSH D019571, MONDO:0016587. Disease mechanism: loss of function. Inheritance: Various modes of inheritance.
Cardiomyopathy (CMYO). Also called: Cardiomyopathies. Identifiers: Orphanet 167848, MedGen C0878544, MONDO:0004994, HP:0001638. Inheritance: Various modes of inheritance.
Arrhythmogenic right ventricular dysplasia 10. Also called: Arrhythmogenic right ventricular dysplasia/cardiomyopathy, type 10; Arrhythmogenic Right Ventricular Dysplasia/Cardiomyopathy10; ARRHYTHMOGENIC RIGHT VENTRICULAR DYSPLASIA, FAMILIAL, 10. Identifiers: MedGen C1857777, MONDO:0012434, OMIM 610193.

Allele frequency attached by ClinVar (database versions not stated): gnomAD 0.00001; TOPMed 0.00001; ESP Exome Variant Server 0.00008.
gnomAD v4.1: 120 of 1,614,026 alleles (0.0074%); highest among the groups gnomAD compares: Non-Finnish European, 0.01%; no homozygotes.

Submissions (7):

Labcorp Genetics (formerly Invitae), Labcorp
Classification: Uncertain significance for Arrhythmogenic right ventricular dysplasia 10. Last evaluated: 2025-12-09. Review status: criteria provided, single submitter. Criteria: Invitae Variant Classification Sherloc (09022015). Collection method: clinical testing. Allele origin: germline.
Comment: This sequence change replaces serine, which is neutral and polar, with phenylalanine, which is neutral and non-polar, at codon 883 of the DSG2 protein (p.Ser883Phe). This variant is present in population databases (rs371498622, gnomAD 0.004%). This missense change has been observed in individual(s) with DSG2-related conditions (PMID: 20857253). ClinVar contains an entry for this variant (Variation ID: 163220). Invitae Evidence Modeling of protein sequence and biophysical properties (such as structural, functional, and spatial information, amino acid conservation, physicochemical variation, residue mobility, and thermodynamic stability) indicates that this missense variant is not expected to disrupt DSG2 protein function with a negative predictive value of 95%. In summary, the available evidence is currently insufficient to determine the role of this variant in disease. Therefore, it has been classified as a Variant of Uncertain Significance.

Women's Health and Genetics/Laboratory Corporation of America, LabCorp
Classification: Uncertain significance. Last evaluated: 2025-03-31. Review status: criteria provided, single submitter. Criteria: LabCorp Variant Classification Summary - May 2015. Collection method: clinical testing. Allele origin: germline.
Comment: Variant summary: DSG2 c.2648C>T (p.Ser883Phe) results in a non-conservative amino acid change in the encoded protein sequence. Four of five in-silico tools predict a benign effect of the variant on protein function. The variant allele was found at a frequency of 1.6e-05 in 248746 control chromosomes. The available data on variant occurrences in the general population are insufficient to allow any conclusion about variant significance. c.2648C>T has been reported in the literature in individuals affected with Arrhythmogenic Right Ventricular Dysplasia/Cardiomyopathy (Yew Tan_2011, den Haan_2010). These report(s) do not provide unequivocal conclusions about association of the variant with Arrhythmogenic Right Ventricular Dysplasia/Cardiomyopathy. To our knowledge, no experimental evidence demonstrating an impact on protein function has been reported. The following publications have been ascertained in the context of this evaluation (PMID: 20857253, 20031617). ClinVar contains an entry for this variant (Variation ID: 163220). Based on the evidence outlined above, the variant was classified as uncertain significance.

Ambry Genetics
Classification: Likely benign for Cardiovascular phenotype. Last evaluated: 2024-09-27. Review status: criteria provided, single submitter. Criteria: Ambry Variant Classification Scheme 2023. Collection method: clinical testing. Allele origin: germline.

All of Us Research Program, National Institutes of Health
Classification: Uncertain significance for Arrhythmogenic right ventricular cardiomyopathy. Last evaluated: 2024-02-05. Review status: criteria provided, single submitter. Criteria: ACMG Guidelines, 2015. Collection method: clinical testing. Allele origin: germline. Inheritance: Autosomal dominant inheritance. Observed: 9 variant alleles, 9 heterozygotes.
Comment: This missense variant replaces serine with phenylalanine at codon 883 of the DSG2 protein. Computational prediction suggests that this variant may not impact protein structure and function (internally defined REVEL score threshold <= 0.5, PMID: 27666373). To our knowledge, functional studies have not been reported for this variant. This variant has been reported in an individual affected with arrhythmogenic right ventricular cardiomyopathy (PMID: 20857253). This variant has also been identified in 4/248746 chromosomes in the general population by the Genome Aggregation Database (gnomAD). The available evidence is insufficient to determine the role of this variant in disease conclusively. Therefore, this variant is classified as a Variant of Uncertain Significance.

This study involves interpretation of variants in research participants for the purpose of population health screening. Participant phenotype was not available at the time of variant classification. Additional details can be found in publication PMID: 35346344, PMCID: PMC8962531

Color Diagnostics, LLC DBA Color Health
Classification: Uncertain significance for Cardiomyopathy. Last evaluated: 2023-12-13. Review status: criteria provided, single submitter. Criteria: ACMG Guidelines, 2015. Collection method: clinical testing. Allele origin: germline.
Comment: This missense variant replaces serine with phenylalanine at codon 883 of the DSG2 protein. Computational prediction suggests that this variant may not impact protein structure and function (internally defined REVEL score threshold <= 0.5, PMID: 27666373). To our knowledge, functional studies have not been reported for this variant. This variant has been reported in an individual affected with arrhythmogenic right ventricular cardiomyopathy (PMID: 20857253). This variant has also been identified in 4/248746 chromosomes in the general population by the Genome Aggregation Database (gnomAD). The available evidence is insufficient to determine the role of this variant in disease conclusively. Therefore, this variant is classified as a Variant of Uncertain Significance.

GeneDx
Classification: Uncertain significance. Last evaluated: 2022-11-28. Review status: criteria provided, single submitter. Criteria: GeneDx Variant Classification Process June 2021. Collection method: clinical testing. Allele origin: germline. Affected: yes.
Comment: Has been reported in an individual with confirmed or suspected ARVC; however, it was excluded from further analysis due to the residue's lack of evolutionary conservation or its presence in controls (den Haan et al., 2009), or described as a benign change that resulted in increased protein stability based on in silico predictions (Tan et al., 2010).; Not observed at significant frequency in large population cohorts (gnomAD); In silico analysis supports that this missense variant does not alter protein structure/function; This variant is associated with the following publications: (PMID: 20031617, 20857253)

Laboratory for Molecular Medicine, Mass General Brigham Personalized Medicine
Classification: Uncertain significance. Last evaluated: 2013-09-19. Review status: criteria provided, single submitter. Criteria: LMM Criteria. Collection method: clinical testing. Allele origin: germline. Observed: 1 variant allele.
Comment: Variant classified as Uncertain Significance - Favor Benign. The Ser883Phe varia nt in DSG2 has not been reported in individuals with cardiomyopathy but has been identified in 1/8208 European American chromosomes by the NHLBI Exome Sequencin g Project. Serine (Ser) at position 883 is n ot conserved and a change to phenylalanine is seen in at least two mammals (dog, tarsier), suggesting that a change at this position may be tolerated. Addition al, computational analyses (biochemical amino acid properties, AlignGVGD, PolyPh en2, and SIFT) suggest that the this variant may not impact the protein, though this information is not predictive enough to rule out pathogenicity. Additional information is needed to fully assess the clinical significance of the Ser883Phe variant.

Literature cited by the submitters: PubMed 20857253 (cited by 5 submitters); PubMed 20031617 (cited by Women's Health and Genetics/Laboratory Corporation of America, LabCorp).

NM_001943.5(DSG2):c.2648C>T (p.Ser883Phe)

Genes: DSG2 (desmoglein 2; plus strand), DSG2-AS1 (DSG2 antisense RNA 1; minus strand). Cytogenetic location: 18q12.1.
Variant type: single nucleotide variant.
Coding change: c.2648C>T on transcript NM_001943.5 (MANE Select); coding-DNA position 2648, C replaced by T.
Protein change: p.Ser883Phe; replaces serine 883 with phenylalanine.
Molecular consequence: missense variant.
Genome position (GRCh38, 1-based): chr18:31,546,034, C>T. VCF-style: chr18-31546034-C-T. GRCh37 (hg19) VCF-style: chr18-29125997-C-T.
Other names: short protein forms S883F.
Identifiers: ClinVar variation 163220 (VCV000163220.19), dbSNP rs371498622, ClinGen allele CA021850.